The following is an entry in ClinVar:

NM_001085049.3(MRAS):c.291G>A (p.Lys97=)

Gene: MRAS (muscle RAS oncogene homolog; plus strand). Cytogenetic location: 3q22.3.
Variant type: single nucleotide variant.
Coding change: c.291G>A on transcript NM_001085049.3 (MANE Select); coding-DNA position 291, G replaced by A.
Protein change: p.Lys97=; no amino-acid change (lysine 97 retained).
Molecular consequence: synonymous variant.
Genome position (GRCh38, 1-based): chr3:138,397,421, G>A. VCF-style: chr3-138397421-G-A. GRCh37 (hg19) VCF-style: chr3-138116263-G-A.
Other names: c.291G>A (NM_012219.3); c.291G>A, p.Lys97= (NM_012219.4, NM_001252090.2); c.63G>A, p.Lys21= (NM_001252091.1, NM_001252092.2, NM_001252093.2).
Identifiers: ClinVar variation 929025 (VCV000929025.19), dbSNP rs548156011, ClinGen allele CA2636971.
Genomic context (GRCh38, chr3:138,397,421, plus strand): 5'-GCGGGAGCAATACATGCGCACGGGGGATGGCTTCCTCATCGTCTACTCCGTCACTGACAA[G>A]GCCAGCTTTGAGCACGTGGACCGCTTCCACCAGCTTATCCTGCGCGTCAAAGACAGGTGA-3'
Protein context (NP_001078518.1, residues 87-107): GFLIVYSVTD[Lys97=]ASFEHVDRFH

ClinVar aggregate classification (germline): Benign/Likely benign. Review status: criteria provided, multiple submitters, no conflicts (2 of 4 stars). 5 submissions from 5 submitters: Benign (1); Likely benign (4). Last evaluated 2026-01-13.

Conditions:
Inborn genetic diseases. Identifiers: MedGen C0950123, MeSH D030342.

Allele frequency attached by ClinVar (database versions not stated): gnomAD exomes 0.00004; gnomAD 0.00005 and 0.00006; TOPMed 0.00005; ExAC 0.00007.
gnomAD v4.1: 136 of 1,614,064 alleles (0.0084%); highest among the groups gnomAD compares: Non-Finnish European, 0.01%; no homozygotes.

Submissions (5):

Labcorp Genetics (formerly Invitae), Labcorp
Classification: Likely benign. Last evaluated: 2026-01-13. Review status: criteria provided, single submitter. Criteria: Invitae Variant Classification Sherloc (09022015). Collection method: clinical testing. Allele origin: germline.

CeGaT Center for Human Genetics Tuebingen
Classification: Likely benign. Last evaluated: 2025-08-01. Review status: criteria provided, single submitter. Criteria: CeGaT Center For Human Genetics Tuebingen Variant Classification Criteria Version 2. Collection method: clinical testing. Allele origin: germline. Affected: yes. Observed: 1 variant allele.
Comment: MRAS: BP4, BP7

Blueprint Genetics
Classification: Likely benign. Last evaluated: 2023-03-01. Review status: criteria provided, single submitter. Criteria: ACMG Guidelines, 2015. Collection method: clinical testing. Allele origin: germline.

Women's Health and Genetics/Laboratory Corporation of America, LabCorp
Classification: Benign. Last evaluated: 2019-11-16. Review status: criteria provided, single submitter. Criteria: LabCorp Variant Classification Summary - May 2015. Collection method: clinical testing. Allele origin: germline.

Ambry Genetics
Classification: Likely benign for Inborn genetic diseases. Last evaluated: 2019-08-06. Review status: criteria provided, single submitter. Criteria: Ambry Variant Classification Scheme 2023. Collection method: clinical testing. Allele origin: germline.